The following is an entry in ClinVar:

NM_205836.3(FBXO38):c.880A>T (p.Asn294Tyr)

Gene: FBXO38 (F-box protein 38; plus strand). Cytogenetic location: 5q32.
Variant type: single nucleotide variant.
Coding change: c.880A>T on transcript NM_205836.3 (MANE Select); coding-DNA position 880, A replaced by T.
Protein change: p.Asn294Tyr; replaces asparagine 294 with tyrosine.
Molecular consequence: missense variant.
Genome position (GRCh38, 1-based): chr5:148,409,135, A>T. VCF-style: chr5-148409135-A-T. GRCh37 (hg19) VCF-style: chr5-147788698-A-T.
Other names: c.880A>T, p.Asn294Tyr (NM_001271723.2, NM_030793.5); short protein forms N294Y.
Identifiers: ClinVar variation 1382905 (VCV001382905.6), dbSNP rs1752601349, ClinGen allele CA361656981.
Genomic context (GRCh38, chr5:148,409,135, plus strand): 5'-TCACTAAAAATGCTATGGTCAAACACTTGTTTTTGTTCCTCGTCTTTAGGTGGTTTTAGA[A>T]ATTTGCACACTATTGTTCTGGGAGCTTGCAAAAATGCTCTTGAAGTAGATCTTGGTTACC-3'
Protein context (NP_995308.1, residues 284-304): EDSWRSGGFR[Asn294Tyr]LHTIVLGACK

ClinVar aggregate classification (germline): Uncertain significance (1 of 4 stars; one submission).

Conditions:
Distal hereditary motor neuropathy type 2. Identifiers: Orphanet 139525, MedGen C3711384, MeSH C580044, MONDO:0015352.

Allele frequency attached by ClinVar (database versions not stated): TOPMed below 0.00001.

Submission:

Labcorp Genetics (formerly Invitae), Labcorp
Classification: Uncertain significance for Distal hereditary motor neuropathy type 2. Last evaluated: 2022-05-27. Review status: criteria provided, single submitter. Criteria: Invitae Variant Classification Sherloc (09022015). Collection method: clinical testing. Allele origin: germline.
Comment: In summary, the available evidence is currently insufficient to determine the role of this variant in disease. Therefore, it has been classified as a Variant of Uncertain Significance. Algorithms developed to predict the effect of missense changes on protein structure and function are either unavailable or do not agree on the potential impact of this missense change (SIFT: "Deleterious"; PolyPhen-2: "Probably Damaging"; Align-GVGD: "Class C0"). This variant has not been reported in the literature in individuals affected with FBXO38-related conditions. This variant is not present in population databases (gnomAD no frequency). This sequence change replaces asparagine, which is neutral and polar, with tyrosine, which is neutral and polar, at codon 294 of the FBXO38 protein (p.Asn294Tyr).